The following is an entry in ClinVar:

ClinVar aggregate classification (germline): Uncertain significance (1 of 4 stars; one submission).

Conditions:
Hereditary breast ovarian cancer syndrome. Also called: Hereditary breast and ovarian cancer; Hereditary breast and ovarian cancer syndrome (HBOC); Breast and ovarian cancer; Hereditary breast and/or ovarian cancer syndrome; BRCA1- and BRCA2-Associated Hereditary Breast and Ovarian Cancer; Hereditary breast and ovarian cancer syndrome. Identifiers: Orphanet 145, MedGen C0677776, MeSH D061325, MONDO:0003582. Disease mechanism: loss of function.

Submissions (2):

Labcorp Genetics (formerly Invitae), Labcorp
Classification: Uncertain significance for Hereditary breast ovarian cancer syndrome. Last evaluated: 2023-11-17. Review status: criteria provided, single submitter. Criteria: Invitae Variant Classification Sherloc (09022015). Collection method: clinical testing. Allele origin: germline.
Comment: This sequence change replaces proline, which is neutral and non-polar, with glutamine, which is neutral and polar, at codon 1806 of the BRCA1 protein (p.Pro1806Gln). This variant is not present in population databases (gnomAD no frequency). This variant has not been reported in the literature in individuals affected with BRCA1-related conditions. ClinVar contains an entry for this variant (Variation ID: 868078). Advanced modeling performed at Invitae incorporating data from internal and/or published experimental studies (PMID: 30209399) indicates that this missense variant is not expected to disrupt BRCA1 function with a negative predictive value of 95%. Experimental studies have shown that this missense change does not substantially affect BRCA1 function (PMID: 30209399). In summary, the available evidence is currently insufficient to determine the role of this variant in disease. Therefore, it has been classified as a Variant of Uncertain Significance.

Brotman Baty Institute, University of Washington
No classification provided (evidence only). Condition: Breast-ovarian cancer, familial 1. Review status: no classification provided. Collection method: in vitro. Allele origin: not applicable. Functional consequence: functionally_normal. Not counted in ClinVar's aggregate classification.
ClinVar note: "not provided" was previously submitted as the classification for the variant. However, the classification appeared to be based only on an observation of functional data so it was converted to no classification on 2025-07-30.

Literature cited by the submitters: PubMed 30209399 (cited by Labcorp Genetics (formerly Invitae), Labcorp).

NM_007294.4(BRCA1):c.5417C>A (p.Pro1806Gln)

Gene: BRCA1 (BRCA1 DNA repair associated; minus strand). Cytogenetic location: 17q21.31.
Variant type: single nucleotide variant.
Coding change: c.5417C>A on transcript NM_007294.4 (MANE Select); coding-DNA position 5417, C replaced by A.
Protein change: p.Pro1806Gln; replaces proline 1806 with glutamine.
Molecular consequence: missense variant. On other transcripts: synonymous variant (17).
Genome position (GRCh38, 1-based): chr17:43,047,693, G>T on the plus strand (C>A on the coding strand, the complement: BRCA1 is on the minus strand). VCF-style: chr17-43047693-G-T. GRCh37 (hg19) VCF-style: chr17-41199710-G-T.
Other names: c.5204C>A, p.Pro1735Gln (NM_001407571.1, NM_001407894.1, NM_001407895.1 and 12 more transcripts); c.5483C>A, p.Pro1828Gln (NM_001407581.1, NM_001407582.1); c.5480C>A, p.Pro1827Gln (NM_001407583.1, NM_001407585.1, NM_001407587.1 and 1 more transcripts); c.5477C>A, p.Pro1826Gln (NM_001407590.1, NM_001407591.1); c.5417C>A, p.Pro1806Gln (NM_001407593.1, NM_001407594.1, NM_001407596.1 and 5 more transcripts); c.5414C>A, p.Pro1805Gln (NM_001407610.1, NM_001407611.1, NM_001407612.1 and 14 more transcripts); c.5411C>A, p.Pro1804Gln (NM_001407627.1, NM_001407628.1, NM_001407629.1 and 13 more transcripts); c.5285C>A, p.Pro1762Gln (NM_001407691.1, NM_001407690.1); and 83 more; short protein forms P1759Q, P1806Q, P1827Q, P702Q, P1637Q, P1693Q, P1695Q, P1757Q.
Identifiers: ClinVar variation 868078 (VCV000868078.12), dbSNP rs2050992362, ClinGen allele CA10590623.
Genomic context (GRCh38, chr17:43,047,693, plus strand): 5'-GGCACCTTACCATGGAAGCCATTGTCCTCTGTCCAGGCATCTGGCTGCACAACCACAATT[G>T]GGTGGACACCCTGGATCCCCAGGAAGGAAAGAGCATTCAAAGTGTCAAAGTAGGACTACT-3'
Protein context (NP_009225.1, residues 1796-1816): SSFTLGTGVH[Pro1806Gln]IVVVQPDAWT